The following is an entry in ClinVar:

NM_174889.5(NDUFAF2):c.139C>T (p.Arg47Ter)

Gene: NDUFAF2 (NADH:ubiquinone oxidoreductase complex assembly factor 2; plus strand). Cytogenetic location: 5q12.1.
Variant type: single nucleotide variant.
Coding change: c.139C>T on transcript NM_174889.5 (MANE Select); coding-DNA position 139, C replaced by T.
Protein change: p.Arg47Ter; replaces arginine 47 with a stop codon.
Molecular consequence: nonsense.
Genome position (GRCh38, 1-based): chr5:61,073,136, C>T. VCF-style: chr5-61073136-C-T. GRCh37 (hg19) VCF-style: chr5-60368963-C-T.
Other names: R45*; short protein forms R47*.
Identifiers: ClinVar variation 1594 (VCV000001594.21), dbSNP rs137852863, ClinGen allele CA115096.
Genomic context (GRCh38, chr5:61,073,136, plus strand): 5'-CTGTATCATAGGTTCATTTAAAAATGTATTAATGACTTTTGTCTTATAGGACAAACTATT[C>T]GAGAGAAAAGAATTGTAGAAGCAGCAAATAAAAAAGAAGTAGACTATGAAGCAGGGGATA-3'

ClinVar aggregate classification (germline): Pathogenic/Likely pathogenic. Review status: criteria provided, multiple submitters, no conflicts (2 of 4 stars). 8 submissions from 8 submitters: Pathogenic (6); Likely pathogenic (1). 1 of the submissions does not count toward it. Last evaluated 2024-02-02.

Conditions:
Inborn genetic diseases. Identifiers: MedGen C0950123, MeSH D030342.
Mitochondrial complex I deficiency, nuclear type 10. Also called: Mitochondrial complex 1 deficiency, nuclear type 10. Identifiers: MedGen C4748768, MONDO:0032616, OMIM 618233.
Mitochondrial complex I deficiency, nuclear type 1. Also called: NADH-COENZYME Q REDUCTASE DEFICIENCY; MITOCHONDRIAL NADH DEHYDROGENASE COMPONENT OF COMPLEX I, DEFICIENCY OF. Identifiers: MedGen C6022305, MONDO:0100224, OMIM 252010.
Leigh syndrome (NULS). Also called: Leigh's syndrome; Necrotizing encephalopathy infantile subacute of Leigh; Leigh's necrotizing encephalopathy; Leigh's disease; Leigh Disease; Subacute necrotizing encephalopathy. Identifiers: Orphanet 506, MedGen C2931891, MONDO:0009723, OMIM 256000.

Allele frequency attached by ClinVar (database versions not stated): gnomAD 0.00004 and 0.00003; ExAC 0.00003; gnomAD exomes 0.00004; TOPMed 0.00006.

Submissions (8):

Labcorp Genetics (formerly Invitae), Labcorp
Classification: Pathogenic. Last evaluated: 2024-02-02. Review status: criteria provided, single submitter. Criteria: Invitae Variant Classification Sherloc (09022015). Collection method: clinical testing. Allele origin: germline.
Comment: This sequence change creates a premature translational stop signal (p.Arg47*) in the NDUFAF2 gene. It is expected to result in an absent or disrupted protein product. Loss-of-function variants in NDUFAF2 are known to be pathogenic (PMID: 18180188). This variant is present in population databases (rs137852863, gnomAD 0.03%). This premature translational stop signal has been observed in individual(s) with clinical features of NDUFAF2-related conditions (PMID: 16200211, 31130284). This variant is also known as R45X. ClinVar contains an entry for this variant (Variation ID: 1594). For these reasons, this variant has been classified as Pathogenic.

GeneDx
Classification: Pathogenic. Last evaluated: 2022-06-16. Review status: criteria provided, single submitter. Criteria: GeneDx Variant Classification Process June 2021. Collection method: clinical testing. Allele origin: germline. Affected: yes.
Comment: Published functional studies demonstrate that this variant causes a severe reduction in complex I activity and levels of holoenzyme (Ogilvie et al., 2005); Nonsense variant predicted to result in protein truncation or nonsense mediated decay in a gene for which loss-of-function is a known mechanism of disease; Also denoted as R45X due to alternate nomenclature; This variant is associated with the following publications: (PMID: 25525159, 25326635, 16200211, 10649489, 26795593, 31130284, 34503567)

Illumina Laboratory Services, Illumina
Classification: Likely pathogenic for Mitochondrial complex I deficiency, nuclear type 1. Last evaluated: 2018-09-17. Review status: criteria provided, single submitter. Criteria: ICSL Variant Classification Criteria 09 May 2019. Collection method: clinical testing. Allele origin: germline.
Comment: The NDUFAF2 c.139C>T (p.Arg47Ter) variant, also known as c.182C>T (p.Arg45Ter), is a stop-gained variant predicted to result in premature termination of the protein. The variant has been reported in two studies in which it is found in two individuals. Ogilvie et al. (2005) reported a proband with an atypical phenotype of leukoencephalopathy with vanishing white matter, who was a hemizygote for the c.139C>T (p.Arg47Ter) variant. Helbig et al. (2016) identified the p.Arg47Ter variant in a homozygous state in one proband with epileptic encephalopathy. Control data are unavailable for the p.Arg47Ter variant, which is reported at a frequency of 0.000265 in the East Asian population of the Genome Aggregation Database. Functional studies in proband fibroblasts demonstrated that wildtype NDUFAF2 transduction restored the complex I deficiency and activity to control levels, indicating the p.Arg47Ter variant was responsible for the proband's phenotype (Ogilvie et al. 2005). Based on the evidence, the p.Arg47Ter variant is classified as likely pathogenic for mitochondrial respiratory chain complex I deficiency. This variant was observed by ICSL as part of a predisposition screen in an ostensibly healthy population.

Women's Health and Genetics/Laboratory Corporation of America, LabCorp
Classification: Pathogenic. Last evaluated: 2018-02-08. Review status: criteria provided, single submitter. Criteria: LabCorp Variant Classification Summary - May 2015. Collection method: clinical testing. Allele origin: germline.
Comment: Variant summary: NDUFAF2 c.139C>T (p.Arg47X) results in a premature termination codon, predicted to cause a truncation of the encoded protein or absence of the protein due to nonsense mediated decay, which are commonly known mechanisms for disease. Truncations downstream of this position have been classified as pathogenic by our laboratory (e.g., p.Trp74X). The variant allele was found at a frequency of 4.3e-05 in 276654 control chromosomes (gnomAD). This frequency is not higher than expected for a pathogenic variant in NDUFAF2 causing Leigh Syndrome (4.3e-05 vs 0.0013), allowing no conclusion about variant significance. The c.139C>T variant has been reported in the literature in multiple individuals affected with Leigh Syndrome. This data indicates that the variant may be associated with disease. At least one publication reports experimental evidence showing a lack of mature protein and no catalytic activity of the mitochondrial complex I (Ogilvie_2005). No clinical diagnostic laboratories have submitted clinical-significance assessments for this variant to ClinVar after 2014. Based on the evidence outlined above, the variant was classified as pathogenic.

Baylor Genetics
Classification: Pathogenic for Leigh syndrome. Last evaluated: 2017-09-01. Review status: criteria provided, single submitter. Criteria: ACMG Guidelines, 2015. Collection method: clinical testing. Allele origin: germline. Inheritance: Autosomal recessive inheritance. Affected: yes.

Ambry Genetics
Classification: Pathogenic for Inborn genetic diseases. Last evaluated: 2014-10-08. Review status: criteria provided, single submitter. Criteria: Ambry Variant Classification Scheme 2023. Collection method: clinical testing. Allele origin: germline.
Comment: The c.139C>T (p.R47*) alteration, located in coding exon 2 (c.128_217) of the NDUFAF2 gene, consists of a C to T substitution at nucleotide position 139. This changes the amino acid from an Arginine (R) to a stop codon within coding exon 2 (c.128_217). Premature stop codons are typically deleterious in nature (Richards, 2008). Based on the available evidence, this alteration is classified as pathogenic.

Juno Genomics, Hangzhou Juno Genomics, Inc
Classification: Pathogenic for Mitochondrial complex I deficiency, nuclear type 10. Review status: criteria provided, single submitter. Criteria: ACMG Guidelines, 2015. Collection method: clinical testing. Allele origin: germline.
Comment: Absent from controls (or at extremely low frequency if recessive) in Genome Aggregation Database.;Null variant in a gene where loss of function (LOF) is a known mechanism of disease.;For recessive disorders, detected in trans with a pathogenic variant.

OMIM
Classification: Pathogenic for MITOCHONDRIAL COMPLEX I DEFICIENCY, NUCLEAR TYPE 10. Last evaluated: 2005-10-01. Review status: no assertion criteria provided. Collection method: literature only. Allele origin: germline. Not counted in ClinVar's aggregate classification.

Literature cited by the submitters: PubMed 18180188 (cited by Labcorp Genetics (formerly Invitae), Labcorp); PubMed 16200211 (cited by 5 submitters); PubMed 31130284 (cited by Labcorp Genetics (formerly Invitae), Labcorp); PubMed 26795593 (cited by Illumina Laboratory Services, Illumina and Women's Health and Genetics/Laboratory Corporation of America, LabCorp); PubMed 25326635 (cited by Baylor Genetics).